The following is an entry in ClinVar:

ClinVar aggregate classification (germline): Pathogenic. Review status: criteria provided, multiple submitters, no conflicts (2 of 4 stars). 2 submissions from 2 submitters: Pathogenic (2). Last evaluated 2024-11-20.

Conditions:
Osteogenesis imperfecta type I (OI1). Also called: Lobstein disease; OI, TYPE I; OSTEOGENESIS IMPERFECTA TARDA; OSTEOGENESIS IMPERFECTA WITH BLUE SCLERAE; Osteogenesis imperfecta type 1; Lobstein's Disease. Identifiers: Orphanet 216796, Orphanet 666, MedGen C0023931, MONDO:0008146, OMIM 166200. Disease mechanism: loss of function.
Ehlers-Danlos syndrome, classic type, 1 (EDSCL1). Also called: EDS I; EHLERS-DANLOS SYNDROME, GRAVIS TYPE; EHLERS-DANLOS SYNDROME, SEVERE CLASSIC TYPE; Ehlers-Danlos syndrome, type 1; Ehlers-Danlos Syndrome, Classic Type, COL5A1-Related. Identifiers: MedGen C0268335, MONDO:0019567, OMIM 130000.
Combined osteogenesis imperfecta and Ehlers-Danlos syndrome 2. Also called: OIEDS SYNDROME 2. Identifiers: MedGen C5436847, MONDO:0030855, OMIM 619120.

Submissions (2):

3billion
Classification: Pathogenic for Combined osteogenesis imperfecta and Ehlers-Danlos syndrome 2. Last evaluated: 2024-11-20. Review status: criteria provided, single submitter. Criteria: ACMG Guidelines, 2015. Collection method: clinical testing. Allele origin: germline. Affected: yes.
Comment: The variant is not observed in the gnomAD v4.1.0 dataset. Predicted Consequence/Location: Canonical splice site: predicted to alter splicing and result in a loss or disruption of normal protein function. Multiple pathogenic loss-of-function variants are reported downstream of the variant. In silico tools predict the variant to alter splicing and produce an abnormal transcript [SpliceAI: 1.00 (spliceogenicity >=0.2, non-spliceogenicity <0.1)]. The variant has been reported to be associated with COL1A2-related disorder (ClinVar ID: VCV002921400). Therefore, this variant is classified as Pathogenic according to the recommendation of ACMG/AMP guideline.

Labcorp Genetics (formerly Invitae), Labcorp
Classification: Pathogenic for Osteogenesis imperfecta type I; Ehlers-Danlos syndrome, classic type, 1. Last evaluated: 2023-12-14. Review status: criteria provided, single submitter. Criteria: Invitae Variant Classification Sherloc (09022015). Collection method: clinical testing. Allele origin: germline.
Comment: This sequence change affects a donor splice site in intron 9 of the COL1A2 gene. It is expected to disrupt RNA splicing. Variants that disrupt the donor or acceptor splice site typically lead to a loss of protein function (PMID: 16199547), and loss-of-function variants in COL1A2 are known to be pathogenic (PMID: 11288717, 15077201). This variant is not present in population databases (gnomAD no frequency). Disruption of this splice site has been observed in individual(s) with clinical features of COL1A2-related conditions (Invitae). In at least one individual the variant was observed to be de novo. Algorithms developed to predict the effect of sequence changes on RNA splicing suggest that this variant may disrupt the consensus splice site. For these reasons, this variant has been classified as Pathogenic.

Literature cited by the submitters: PubMed 16199547 (cited by Labcorp Genetics (formerly Invitae), Labcorp); PubMed 11288717 (cited by Labcorp Genetics (formerly Invitae), Labcorp); PubMed 15077201 (cited by Labcorp Genetics (formerly Invitae), Labcorp).

NM_000089.4(COL1A2):c.432+1G>C

Gene: COL1A2 (collagen type I alpha 2 chain; plus strand). Cytogenetic location: 7q21.3.
Variant type: single nucleotide variant.
Coding change: c.432+1G>C on transcript NM_000089.4 (MANE Select); the canonical splice donor site of the intron after coding-DNA position 432, G replaced by C.
Molecular consequence: splice donor variant.
Genome position (GRCh38, 1-based): chr7:94,404,893, G>C. VCF-style: chr7-94404893-G-C. GRCh37 (hg19) VCF-style: chr7-94034205-G-C.
Identifiers: ClinVar variation 2921400 (VCV002921400.4), dbSNP rs1554395431, ClinGen allele CA368219748.